The following is an entry in ClinVar:

ClinVar aggregate classification (germline): Likely benign (1 of 4 stars; one submission).

Submission:

Women's Health and Genetics/Laboratory Corporation of America, LabCorp
Classification: Likely benign. Last evaluated: 2020-04-22. Review status: criteria provided, single submitter. Criteria: LabCorp Variant Classification Summary - May 2015. Collection method: clinical testing. Allele origin: germline.
Comment: Variant summary: MEGF8 c.6537C>T alters a non-conserved nucleotide resulting in a synonymous change. 4/4 computational tools predict no significant impact on normal splicing. However, these predictions have yet to be confirmed by functional studies. The variant was absent in 249108 control chromosomes. The available data on variant occurrences in the general population are insufficient to allow any conclusion about variant significance. To our knowledge, no occurrence of c.6537C>T in individuals affected with Carpenter Syndrome and no experimental evidence demonstrating its impact on protein function have been reported. No clinical diagnostic laboratories have submitted clinical-significance assessments for this variant to ClinVar after 2014. Based on the evidence outlined above, the variant was classified as likely benign.

NM_001271938.2(MEGF8):c.6738C>T (p.Gly2246=)

Gene: MEGF8 (multiple EGF like domains 8; plus strand). Cytogenetic location: 19q13.2.
Variant type: single nucleotide variant.
Coding change: c.6738C>T on transcript NM_001271938.2 (MANE Select); coding-DNA position 6738, C replaced by T.
Protein change: p.Gly2246=; no amino-acid change (glycine 2246 retained).
Molecular consequence: synonymous variant.
Genome position (GRCh38, 1-based): chr19:42,369,627, C>T. VCF-style: chr19-42369627-C-T. GRCh37 (hg19) VCF-style: chr19-42873779-C-T.
Other names: c.6537C>T, p.Gly2179= (NM_001410.3).
Identifiers: ClinVar variation 917804 (VCV000917804.1), dbSNP rs2039657364, ClinGen allele CA507621827.
Genomic context (GRCh38, chr19:42,369,627, plus strand): 5'-CTGCGTGAACGGCTCATGTGTGGAGCCCGACCACTGCCGCTGCCACTTTGGCTTTGTGGG[C>T]CGCAACTGCTCCACGGAATGCCGCTGCAACCGCCACAGTGAATGCGCTGGTGTTGGGGCG-3'
Protein context (NP_001258867.1, residues 2236-2256): DHCRCHFGFV[Gly2246=]RNCSTECRCN